The following is an entry in ClinVar:

NM_021870.3(FGG):c.1129+66_1129+69del

Gene: FGG (fibrinogen gamma chain; minus strand). Cytogenetic location: 4q32.1.
Variant type: Microsatellite.
Coding change: c.1129+66_1129+69del on transcript NM_021870.3 (MANE Select); bases 66 to 69 of the intron after coding-DNA position 1129, 4 bases deleted (AATA; older notation c.1129+66_1129+69delAATA).
Molecular consequence: intron variant.
Genome position (GRCh38, 1-based): chr4:154,606,636-154,606,639, TATT deleted on the plus strand (AATA on the coding strand, the reverse complement: FGG is on the minus strand); deleting any 4 consecutive bases within chr4:154,606,636-154,606,643 gives the same sequence; the c. name uses the placement nearest the transcript's 3' end. VCF-style (leftmost placement, unchanged base first): chr4-154606635-CTATT-C. GRCh37 (hg19) VCF-style: chr4-155527787-CTATT-C.
Other names: c.1129+66_1129+69del (NM_000509.6); c.1129+66_1129+69delAATA (NM_000509.5, NM_021870.3).
Identifiers: ClinVar variation 2203578 (VCV002203578.8), dbSNP rs139788771, ClinGen allele CA108774834.

ClinVar aggregate classification (germline): Uncertain significance. Review status: criteria provided, multiple submitters, no conflicts (2 of 4 stars). 3 submissions from 3 submitters: Uncertain significance (2). 1 of the submissions does not count toward it. Last evaluated 2026-02-04.

Conditions:
FGG-related disorder. Also called: FGG-related condition.

Submissions (3):

Women's Health and Genetics/Laboratory Corporation of America, LabCorp
Classification: Uncertain significance. Last evaluated: 2026-02-04. Review status: criteria provided, single submitter. Criteria: LabCorp Variant Classification Summary - May 2015. Collection method: clinical testing. Allele origin: germline.
Comment: Variant summary: FGG c.1129+66_1129+69delAATA is located at a position not widely known to affect splicing. Consensus agreement among computation tools predict no significant impact on normal splicing. At least one publication reports experimental evidence that this variant affects mRNA splicing (Mukai_2016). The variant allele was found at a frequency of 0.00059 in 1444262 control chromosomes, predominantly at a frequency of 0.017 within the East Asian subpopulation in the gnomAD database, including 12 homozygotes. The observed variant frequency within East Asian control individuals in the gnomAD database exceeds the estimated maximal expected allele frequency for disease-causing variants in FGG. c.1129+66_1129+69delAATA has been observed in individual(s) affected with Congenital Dysfibrinogenemia (Mukai_2016). These report(s) do not provide unequivocal conclusions about association of the variant with Congenital Dysfibrinogenemia. The following publication have been ascertained in the context of this evaluation (PMID: 27837696). ClinVar contains an entry for this variant (Variation ID: 2203578). Based on the evidence outlined above, the variant was classified as uncertain significance.

Labcorp Genetics (formerly Invitae), Labcorp
Classification: Uncertain significance. Last evaluated: 2024-06-13. Review status: criteria provided, single submitter. Criteria: Invitae Variant Classification Sherloc (09022015). Collection method: clinical testing. Allele origin: germline.
Comment: This sequence change falls in intron 8 of the FGG gene. It does not directly change the encoded amino acid sequence of the FGG protein. This variant is present in population databases (rs139788771, gnomAD 1.0%). This variant has been observed in individual(s) with hypodysfibrinogenemia (PMID: 27837696). This variant is also known as c.1129+62_65delAATA. Algorithms developed to predict the effect of sequence changes on RNA splicing suggest that this variant is not likely to affect RNA splicing. In summary, the available evidence is currently insufficient to determine the role of this variant in disease. Therefore, it has been classified as a Variant of Uncertain Significance.

PreventionGenetics, part of Exact Sciences
Classification: Uncertain significance for FGG-related condition. Last evaluated: 2024-09-04. Review status: no assertion criteria provided. Collection method: clinical testing. Allele origin: germline. Not counted in ClinVar's aggregate classification.
Comment: The FGG c.1129+66_1129+69delAATA variant is predicted to result in an intronic deletion. This variant is not predicted to alter splicing based on available splicing prediction programs (SpliceAI, Jaganathan et al. 2019. PubMed ID: 30661751). However, such computer prediction programs are imperfect; therefore the downstream effects of this intronic deletion are unknown. Using alternate nomenclature, this variant is also known as c.1129+62_1129+65del. This variant has been reported in a patient with hypodysfibrinogenemia who also had another variant in FGG (Mukai et al. 2016. PubMed ID: 27837696). This variant is reported in 1.0% of alleles in individuals of East Asian descent in gnomAD. Although we suspect that this variant may be pathogenic, at this time, the clinical significance of this variant is uncertain due to the absence of conclusive functional and genetic evidence.

Literature cited by the submitters: PubMed 27837696 (cited by Women's Health and Genetics/Laboratory Corporation of America, LabCorp and Labcorp Genetics (formerly Invitae), Labcorp).